The following is an entry in ClinVar:

ClinVar aggregate classification (germline): Benign/Likely benign. Review status: criteria provided, multiple submitters, no conflicts (2 of 4 stars). 3 submissions from 3 submitters: Benign (1); Likely benign (2). Last evaluated 2025-11-27.

Conditions:
Pheochromocytoma/paraganglioma syndrome 5. Also called: Paragangliomas 5; SDHA-Related Hereditary Paraganglioma-Pheochromocytoma Syndrome. Identifiers: Orphanet 29072, MedGen C3279992, MONDO:0013602, OMIM 614165.
Mitochondrial complex II deficiency, nuclear type 1. Also called: SUCCINATE CoQ REDUCTASE DEFICIENCY. Identifiers: Orphanet 3208, MedGen C5700310, MONDO:0100294, OMIM 252011.
Hereditary cancer-predisposing syndrome. Also called: Tumor predisposition; Hereditary Cancer Syndrome; Hereditary neoplastic syndrome; Neoplastic Syndromes, Hereditary. Identifiers: Orphanet 140162, MedGen C0027672, MeSH D009386, MONDO:0015356.

gnomAD v4.1: 1 of 1,612,952 alleles (0.000062%); no homozygotes.

Submissions (3):

Labcorp Genetics (formerly Invitae), Labcorp
Classification: Likely benign for Pheochromocytoma/paraganglioma syndrome 5; Mitochondrial complex II deficiency, nuclear type 1. Last evaluated: 2025-11-27. Review status: criteria provided, single submitter. Criteria: Invitae Variant Classification Sherloc (09022015). Collection method: clinical testing. Allele origin: germline.

Myriad Genetics, Inc.
Classification: Benign for Pheochromocytoma/paraganglioma syndrome 5. Last evaluated: 2025-02-28. Review status: criteria provided, single submitter. Criteria: Myriad Autosomal Dominant, Autosomal Recessive and X-Linked Classification Criteria (2023). Collection method: clinical testing. Allele origin: unknown.
Comment: This variant is considered benign. This variant is a silent/synonymous amino acid change and it is not expected to impact splicing.

Ambry Genetics
Classification: Likely benign for Hereditary cancer-predisposing syndrome. Last evaluated: 2022-05-27. Review status: criteria provided, single submitter. Criteria: Ambry Variant Classification Scheme 2023. Collection method: clinical testing. Allele origin: germline.

NM_004168.4(SDHA):c.285T>C (p.Pro95=)

Gene: SDHA (succinate dehydrogenase complex flavoprotein subunit A; plus strand). Cytogenetic location: 5p15.33.
Variant type: single nucleotide variant.
Coding change: c.285T>C on transcript NM_004168.4 (MANE Select); coding-DNA position 285, T replaced by C.
Protein change: p.Pro95=; no amino-acid change (proline 95 retained).
Molecular consequence: synonymous variant.
Genome position (GRCh38, 1-based): chr5:224,494, T>C. VCF-style: chr5-224494-T-C. GRCh37 (hg19) VCF-style: chr5-224609-T-C.
Other names: c.285T>C, p.Pro95= (NM_001294332.2, NM_001330758.2).
Identifiers: ClinVar variation 1644558 (VCV001644558.11), dbSNP rs2126543225, ClinGen allele CA442690921.